The following is an entry in ClinVar:

NM_007373.4(SHOC2):c.-244G>T

Genes: SHOC2 (SHOC2 leucine rich repeat scaffold protein; plus strand), LOC130004755 (ATAC-STARR-seq lymphoblastoid silent region 2828; plus strand). Cytogenetic location: 10q25.2.
Variant type: single nucleotide variant.
Coding change: c.-244G>T on transcript NM_007373.4 (MANE Select); 244 bases upstream of the start codon, G replaced by T.
Molecular consequence: 5 prime UTR variant. On other transcripts: non-coding transcript variant (1), intron variant (1).
Genome position (GRCh38, 1-based): chr10:110,919,648, G>T. VCF-style: chr10-110919648-G-T. GRCh37 (hg19) VCF-style: chr10-112679406-G-T.
Other names: c.-244G>T (NM_001269039.3); c.-429G>T (NM_001324337.2); c.-235+207G>T (NM_001324336.2).
Identifiers: ClinVar variation 139105 (VCV000139105.5), dbSNP rs192673935, ClinGen allele CA293478.

ClinVar aggregate classification (germline): Conflicting classifications of pathogenicity. Review status: criteria provided, conflicting classifications (1 of 4 stars). 2 submissions from 2 submitters: Uncertain significance (1); Benign (1). Last evaluated 2018-01-12.

Conditions:
Noonan syndrome-like disorder with loose anagen hair 1 (NSLH1). Also called: TOSTI SYNDROME; MAZZANTI SYNDROME. Identifiers: Orphanet 2701, MedGen C4478716, MONDO:0054637, OMIM 607721.

Allele frequency attached by ClinVar (database versions not stated): gnomAD exomes 0.00059; gnomAD 0.00473 and 0.00499; TOPMed 0.00536; 1000 Genomes Project 30x 0.00671.

Submissions (2):

Illumina Laboratory Services, Illumina
Classification: Uncertain significance for Noonan syndrome-like disorder with loose anagen hair 1. Last evaluated: 2018-01-12. Review status: criteria provided, single submitter. Criteria: ICSL Variant Classification Criteria 13 December 2019. Collection method: clinical testing. Allele origin: germline.

GeneDx
Classification: Benign. Last evaluated: 2013-04-22. Review status: criteria provided, single submitter. Criteria: GeneDx Variant Classification (06012015). Collection method: clinical testing. Allele origin: germline. Affected: yes.
Comment: This variant is considered likely benign or benign based on one or more of the following criteria: it is a conservative change, it occurs at a poorly conserved position in the protein, it is predicted to be benign by multiple in silico algorithms, and/or has population frequency not consistent with disease.